The following is an entry in ClinVar:

NM_000088.4(COL1A1):c.2491G>A (p.Asp831Asn)

Gene: COL1A1 (collagen type I alpha 1 chain; minus strand). Cytogenetic location: 17q21.33.
Variant type: single nucleotide variant.
Coding change: c.2491G>A on transcript NM_000088.4 (MANE Select); coding-DNA position 2491, G replaced by A.
Protein change: p.Asp831Asn; replaces aspartic acid 831 with asparagine.
Molecular consequence: missense variant.
Genome position (GRCh38, 1-based): chr17:50,190,069, C>T on the plus strand (G>A on the coding strand, the complement: COL1A1 is on the minus strand). VCF-style: chr17-50190069-C-T. GRCh37 (hg19) VCF-style: chr17-48267430-C-T.
Other names: short protein forms D831N.
Identifiers: ClinVar variation 2957493 (VCV002957493.3), dbSNP rs2509188822, ClinGen allele CA400207790.
Genomic context (GRCh38, chr17:50,190,069, plus strand): 5'-CAGGGGGTCCAGCGGGTCCGGCAGGGCCAGGGGGACCAGCATCGCCTTTAGCACCAGCAT[C>T]ACCAGGTTCGCCTTTAGCACCAGGTTGGCCGTCAGCACCCTGGGGGAGGAAGCAGGGCGG-3'
Protein context (NP_000079.2, residues 821-841): GQPGAKGEPG[Asp831Asn]AGAKGDAGPP

ClinVar aggregate classification (germline): Uncertain significance (1 of 4 stars; one submission).

Conditions:
Osteogenesis imperfecta type I (OI1). Also called: Lobstein's Disease; Lobstein disease; Classic Non-deforming Osteogenesis Imperfecta with Blue Sclerae; OI, TYPE I; OSTEOGENESIS IMPERFECTA TARDA; OSTEOGENESIS IMPERFECTA WITH BLUE SCLERAE. Identifiers: Orphanet 216796, Orphanet 666, MedGen C0023931, MONDO:0008146, OMIM 166200. Disease mechanism: loss of function.

Allele frequency attached by ClinVar (database versions not stated): gnomAD exomes below 0.00001.
gnomAD v4.1: 1 of 1,612,852 alleles (0.000062%); highest among the groups gnomAD compares: Non-Finnish European, 0.000085%; no homozygotes.

Submission:

Labcorp Genetics (formerly Invitae), Labcorp
Classification: Uncertain significance for Osteogenesis imperfecta type I. Last evaluated: 2023-04-20. Review status: criteria provided, single submitter. Criteria: Invitae Variant Classification Sherloc (09022015). Collection method: clinical testing. Allele origin: germline.
Comment: In summary, the available evidence is currently insufficient to determine the role of this variant in disease. Therefore, it has been classified as a Variant of Uncertain Significance. Advanced modeling of protein sequence and biophysical properties (such as structural, functional, and spatial information, amino acid conservation, physicochemical variation, residue mobility, and thermodynamic stability) has been performed at Invitae for this missense variant, however the output from this modeling did not meet the statistical confidence thresholds required to predict the impact of this variant on COL1A1 protein function. This variant has not been reported in the literature in individuals affected with COL1A1-related conditions. This variant is not present in population databases (gnomAD no frequency). This sequence change replaces aspartic acid, which is acidic and polar, with asparagine, which is neutral and polar, at codon 831 of the COL1A1 protein (p.Asp831Asn).